The following is an entry in ClinVar:

ClinVar aggregate classification (germline): Uncertain significance (1 of 4 stars; one submission).

Conditions:
Cardiovascular phenotype. Identifiers: MedGen CN230736.

Submission:

Ambry Genetics
Classification: Uncertain significance for Cardiovascular phenotype. Last evaluated: 2021-03-19. Review status: criteria provided, single submitter. Criteria: Ambry Variant Classification Scheme 2023. Collection method: clinical testing. Allele origin: germline.
Comment: The p.G648V variant (also known as c.1943G>T), located in coding exon 7 of the KCNH2 gene, results from a G to T substitution at nucleotide position 1943. The glycine at codon 648 is replaced by valine, an amino acid with dissimilar properties. This amino acid position is highly conserved in available vertebrate species. In addition, this alteration is predicted to be deleterious by in silico analysis. Since supporting evidence is limited at this time, the clinical significance of this alteration remains unclear.

NM_000238.4(KCNH2):c.1943G>T (p.Gly648Val)

Gene: KCNH2 (potassium voltage-gated channel subfamily H member 2; minus strand). Cytogenetic location: 7q36.1.
Variant type: single nucleotide variant.
Coding change: c.1943G>T on transcript NM_000238.4 (MANE Select); coding-DNA position 1943, G replaced by T.
Protein change: p.Gly648Val; replaces glycine 648 with valine.
Molecular consequence: missense variant.
Genome position (GRCh38, 1-based): chr7:150,951,450, C>A on the plus strand (G>T on the coding strand, the complement: KCNH2 is on the minus strand). VCF-style: chr7-150951450-C-A. GRCh37 (hg19) VCF-style: chr7-150648538-C-A.
Other names: c.923G>T, p.Gly308Val (NM_001204798.2, NM_172057.3); c.1655G>T, p.Gly552Val (NM_001406753.1, NM_001406756.1); c.1766G>T, p.Gly589Val (NM_001406755.1); c.1643G>T, p.Gly548Val (NM_001406757.1); c.1943G>T, p.Gly648Val (NM_172056.3); short protein forms G589V, G548V, G552V, G308V, G648V.
Identifiers: ClinVar variation 1783094 (VCV001783094.2), dbSNP rs794728486, ClinGen allele CA369857802.